The following is an entry in ClinVar:

ClinVar aggregate classification (germline): Uncertain significance. Review status: criteria provided, multiple submitters, no conflicts (2 of 4 stars). 2 submissions from 2 submitters: Uncertain significance (2). Last evaluated 2026-09-06.

Conditions:
Inborn genetic diseases. Identifiers: MedGen C0950123, MeSH D030342.
Drash syndrome (DDS). Also called: NEPHROPATHY, WILMS TUMOR, AND GENITAL ANOMALIES; WILMS TUMOR AND PSEUDO- OR TRUE HERMAPHRODITISM. Identifiers: Orphanet 220, MedGen C0950121, MONDO:0008682, OMIM 194080.
Frasier syndrome. Identifiers: Orphanet 347, MedGen C0950122, MeSH D052159, MONDO:0007635, OMIM 136680.
Wilms tumor 1 (WT1). Also called: Wilms tumor, somatic. Identifiers: Orphanet 654, MedGen CN033288, MONDO:0008679, OMIM 194070.
11p partial monosomy syndrome (WAGR). Also called: CHROMOSOME 11p13 DELETION SYNDROME; WAGR syndrome; WAGR Spectrum Disorder; WAGR Complex. Identifiers: Orphanet 893, MedGen C0206115, MONDO:0008681, OMIM 194072.

Submissions (2):

Ambry Genetics
Classification: Uncertain significance for Inborn genetic diseases. Last evaluated: 2026-09-06. Review status: criteria provided, single submitter. Criteria: Ambry Variant Classification Scheme 2023. Collection method: clinical testing. Allele origin: germline.
Comment: The p.Q281P variant (also known as c.842A>C), located in coding exon 3 of the WT1 gene, results from an A to C substitution at nucleotide position 842. The glutamine at codon 281 is replaced by proline, an amino acid with similar properties. This amino acid position is conserved. In addition, this alteration is predicted to be deleterious by in silico analysis. Based on the available evidence, the clinical significance of this variant remains unclear.

Labcorp Genetics (formerly Invitae), Labcorp
Classification: Uncertain significance for Wilms tumor 1; Drash syndrome; 11p partial monosomy syndrome; Frasier syndrome. Last evaluated: 2021-04-11. Review status: criteria provided, single submitter. Criteria: Invitae Variant Classification Sherloc (09022015). Collection method: clinical testing. Allele origin: germline.
Comment: In summary, the available evidence is currently insufficient to determine the role of this variant in disease. Therefore, it has been classified as a Variant of Uncertain Significance. Algorithms developed to predict the effect of missense changes on protein structure and function are either unavailable or do not agree on the potential impact of this missense change (SIFT: "Deleterious"; PolyPhen-2: "Benign"; Align-GVGD: "Class C65"). This variant has not been reported in the literature in individuals with WT1-related conditions. This variant is not present in population databases (ExAC no frequency). This sequence change replaces glutamine with proline at codon 281 of the WT1 protein (p.Gln281Pro). The glutamine residue is highly conserved and there is a moderate physicochemical difference between glutamine and proline.

NM_024426.6(WT1):c.857A>C (p.Gln286Pro)

Gene: WT1 (WT1 transcription factor; minus strand). Cytogenetic location: 11p13.
Variant type: single nucleotide variant.
Coding change: c.857A>C on transcript NM_024426.6 (MANE Select); coding-DNA position 857, A replaced by C.
Protein change: p.Gln286Pro; replaces glutamine 286 with proline.
Molecular consequence: missense variant. On other transcripts: non-coding transcript variant (1).
Genome position (GRCh38, 1-based): chr11:32,427,986, T>G on the plus strand (A>C on the coding strand, the complement: WT1 is on the minus strand). VCF-style: chr11-32427986-T-G. GRCh37 (hg19) VCF-style: chr11-32449532-T-G.
Other names: c.857A>C, p.Gln286Pro (NM_000378.6, NM_001407044.1, NM_001407045.1 and 4 more transcripts); c.206A>C, p.Gln69Pro (NM_001198551.2, NM_001198552.2); c.734A>C, p.Gln245Pro (NM_001407047.1, NM_001407050.1); c.95A>C, p.Gln32Pro (NM_001407051.1); c.842A>C, p.Gln281Pro (NM_024425.2); c.842A>C (NM_024426.4); short protein forms Q286P, Q69P, Q245P, Q281P, Q32P.
Identifiers: ClinVar variation 1449835 (VCV001449835.10), dbSNP rs2133072249, ClinGen allele CA379962885.
Genomic context (GRCh38, chr11:32,427,986, plus strand): 5'-ACCCAGACGCAGAGCCCAGCGCCTTCCTACCTGCTGTAGGGCGTCCTCAGCAGCAAAGCC[T>G]GGCTGCCGGTGCAGCTGTCGGTGGGGGTGTGGCAGCCATAGACCGGGGGCGGCACCGAGT-3'
Protein context (NP_077744.4, residues 276-296): HTPTDSCTGS[Gln286Pro]ALLLRTPYSS